The following is an entry in ClinVar:

NM_004656.4(BAP1):c.1507T>C (p.Phe503Leu)

Gene: BAP1 (BRCA1 associated deubiquitinase 1; minus strand). Cytogenetic location: 3p21.1.
Variant type: single nucleotide variant.
Coding change: c.1507T>C on transcript NM_004656.4 (MANE Select); coding-DNA position 1507, T replaced by C.
Protein change: p.Phe503Leu; replaces phenylalanine 503 with leucine.
Molecular consequence: missense variant.
Genome position (GRCh38, 1-based): chr3:52,403,638, A>G on the plus strand (T>C on the coding strand, the complement: BAP1 is on the minus strand). VCF-style: chr3-52403638-A-G. GRCh37 (hg19) VCF-style: chr3-52437654-A-G.
Other names: short protein forms F503L.
Identifiers: ClinVar variation 961227 (VCV000961227.10), dbSNP rs745959970, ClinGen allele CA2436791.

ClinVar aggregate classification (germline): Conflicting classifications of pathogenicity. Review status: criteria provided, conflicting classifications (1 of 4 stars). 2 submissions from 2 submitters: Uncertain significance (1); Likely benign (1). Last evaluated 2025-11-10.

Conditions:
Hereditary cancer-predisposing syndrome. Also called: Tumor predisposition; Hereditary neoplastic syndrome; Hereditary Cancer Syndrome; Neoplastic Syndromes, Hereditary. Identifiers: Orphanet 140162, MedGen C0027672, MeSH D009386, MONDO:0015356.
BAP1-related tumor predisposition syndrome (TPDS1). Also called: Tumor susceptibility linked to germline BAP1 mutations; COMMON Syndrome; TUMOR PREDISPOSITION SYNDROME 1; BAP1 tumor predisposition syndrome. Identifiers: Orphanet 289539, MedGen C3280492, MONDO:0013692, OMIM 614327.

Allele frequency attached by ClinVar (database versions not stated): gnomAD exomes below 0.00001; ExAC 0.00001.

Submissions (2):

Ambry Genetics
Classification: Likely benign for Hereditary cancer-predisposing syndrome. Last evaluated: 2025-11-10. Review status: criteria provided, single submitter. Criteria: Ambry Variant Classification Scheme 2023. Collection method: clinical testing. Allele origin: germline.

Labcorp Genetics (formerly Invitae), Labcorp
Classification: Uncertain significance for BAP1-related tumor predisposition syndrome. Last evaluated: 2024-10-01. Review status: criteria provided, single submitter. Criteria: Invitae Variant Classification Sherloc (09022015). Collection method: clinical testing. Allele origin: germline.
Comment: This sequence change replaces phenylalanine, which is neutral and non-polar, with leucine, which is neutral and non-polar, at codon 503 of the BAP1 protein (p.Phe503Leu). This variant is present in population databases (rs745959970, gnomAD 0.0009%). This missense change has been observed in individual(s) with cutaneous melanoma (PMID: 32325837). ClinVar contains an entry for this variant (Variation ID: 961227). Invitae Evidence Modeling of protein sequence and biophysical properties (such as structural, functional, and spatial information, amino acid conservation, physicochemical variation, residue mobility, and thermodynamic stability) indicates that this missense variant is expected to disrupt BAP1 protein function with a positive predictive value of 80%. In summary, the available evidence is currently insufficient to determine the role of this variant in disease. Therefore, it has been classified as a Variant of Uncertain Significance.

Literature cited by the submitters: PubMed 38969833 (cited by Ambry Genetics); PubMed 32325837 (cited by Labcorp Genetics (formerly Invitae), Labcorp).